The following is an entry in ClinVar:

ClinVar aggregate classification (germline): Uncertain significance (1 of 4 stars; one submission).

Conditions:
Neurodevelopmental disorder with dysmorphic facies and distal skeletal anomalies. Identifiers: MedGen C5231448, MONDO:0032855, OMIM 618659.

Submission:

Victorian Clinical Genetics Services, Murdoch Childrens Research Institute
Classification: Uncertain significance for Neurodevelopmental disorder with dysmorphic facies and distal skeletal anomalies. Last evaluated: 2020-05-26. Review status: criteria provided, single submitter. Criteria: ACMG Guidelines, 2015. Collection method: clinical testing. Allele origin: germline. Inheritance: Autosomal dominant inheritance.
Comment: Based on the classification scheme VCGS_Germline_v1.1.1, this variant is classified as 3B-VUS. Following criteria are met: 0102 - Loss-of-function is a known mechanism of disease for this gene. (N) 0107 - This gene is known to be associated with autosomal dominant disease. (N) 0200 - Variant is predicted to result in a missense amino acid change from glycine to valine. (N) 0251 - Variant is heterozygous. (N) 0301 - Variant is absent from gnomAD. (P) 0502 - Missense variant consistently predicted to be tolerated but is high conserved with a major change. (N) 0604 - Variant is not located in an established domain, motif, hotspot or informative constraint region. (N) 0705 - No comparable variants have previous evidence for pathogenicity. (N) 0807 - Variant has not previously been reported in a clinical context. (N) 0905 - No segregation evidence has been identified for this variant. (N) 1007 - No published functional evidence has been identified for this variant in the literature. (N) 1208 - Inheritance information for this variant is not currently available. (N) Legend: (P) - Pathogenic, (N) - Neutral, (B) - Benign

NM_020338.4(ZMIZ1):c.1097G>T (p.Gly366Val)

Gene: ZMIZ1 (zinc finger MIZ-type containing 1; plus strand). Cytogenetic location: 10q22.3.
Variant type: single nucleotide variant.
Coding change: c.1097G>T on transcript NM_020338.4 (MANE Select); coding-DNA position 1097, G replaced by T.
Protein change: p.Gly366Val; replaces glycine 366 with valine.
Molecular consequence: missense variant.
Genome position (GRCh38, 1-based): chr10:79,293,520, G>T. VCF-style: chr10-79293520-G-T. GRCh37 (hg19) VCF-style: chr10-81053277-G-T.
Other names: short protein forms G366V.
Identifiers: ClinVar variation 1806022 (VCV001806022.1), dbSNP rs1853659669, ClinGen allele CA377334755.